The following is an entry in ClinVar:

NM_002693.3(POLG):c.1384T>C (p.Ser462Pro)

Gene: POLG (DNA polymerase gamma, catalytic subunit; minus strand). Cytogenetic location: 15q26.1.
Variant type: single nucleotide variant.
Coding change: c.1384T>C on transcript NM_002693.3 (MANE Select); coding-DNA position 1384, T replaced by C.
Protein change: p.Ser462Pro; replaces serine 462 with proline.
Molecular consequence: missense variant.
Genome position (GRCh38, 1-based): chr15:89,327,216, A>G on the plus strand (T>C on the coding strand, the complement: POLG is on the minus strand). VCF-style: chr15-89327216-A-G. GRCh37 (hg19) VCF-style: chr15-89870447-A-G.
Other names: c.1384T>C, p.Ser462Pro (NM_001126131.2); short protein forms S462P.
Identifiers: ClinVar variation 3376898 (VCV003376898.1).

ClinVar aggregate classification (germline): Uncertain significance (1 of 4 stars; one submission).

Conditions:
Mitochondrial disease. Also called: Mitochondrial disorder; Mitochondrial disorders. Identifiers: Orphanet 68380, MedGen C0751651, MeSH D028361, MONDO:0044970.

Submission:

Victorian Clinical Genetics Services, Murdoch Childrens Research Institute
Classification: Uncertain significance for Mitochondrial disease. Last evaluated: 2024-10-09. Review status: criteria provided, single submitter. Criteria: ACMG Guidelines, 2015. Collection method: clinical testing. Allele origin: germline. Affected: yes.
Comment: Based on the classification scheme VCGS_Germline_v1.3.4, this variant is classified as VUS-3A. Following criteria are met: 0102 - Loss of function is a known mechanism of disease in this gene and is associated with mitochondrial disease (MONDO#0044970), POLG-related. (I) 0108 - This gene is associated with both recessive and dominant disease. Variants are usually inherited in a recessive manner, however progressive external ophthalmoplegia can also be dominant when heterozygous variants are located in the highly conserved active site of motif B of the polymerase domain (PMID: 30451971). (I) 0112 - Autosomal dominant progressive external ophthalmoplegia associated with this gene has incomplete penetrance (OMIM). (I) 0200 - Variant is predicted to result in a missense amino acid change from serine to proline. (I) 0251 - This variant is heterozygous. (I) 0301 - Variant is absent from gnomAD (both v2 and v3). (SP) 0309 - An alternative amino acid change at the same position has been observed in gnomAD (v2) (5 heterozygotes, 0 homozygotes). (I) 0502 - Missense variant with conflicting in silico predictions and uninformative conservation. (I) 0604 - Variant is not located in an established domain, motif, hotspot or informative constraint region. (I) 0710 - Another missense variant comparable to the one identified in this case has inconclusive previous evidence for pathogenicity. p.(Ser462Leu) has been reported as a variant of uncertain significance (ClinVar) and has been observed in a control individual in the literature (PMID: 27987238). (I) 0807 - This variant has no previous evidence of pathogenicity. (I) 0905 - No published segregation evidence has been identified for this variant. (I) 1007 - No published functional evidence has been identified for this variant. (SP) Legend: (SP) - Supporting pathogenic, (I) - Information, (SB) - Supporting benign

Literature cited by the submitters: PubMed 27987238; PubMed 30451971.